The following is an entry in ClinVar:

NM_018341.3(ERMARD):c.1829C>T (p.Ala610Val)

Gene: ERMARD (ER membrane associated RNA degradation; plus strand). Cytogenetic location: 6q27.
Variant type: single nucleotide variant.
Coding change: c.1829C>T on transcript NM_018341.3 (MANE Select); coding-DNA position 1829, C replaced by T.
Protein change: p.Ala610Val; replaces alanine 610 with valine.
Molecular consequence: missense variant.
Genome position (GRCh38, 1-based): chr6:169,779,271, C>T. VCF-style: chr6-169779271-C-T. GRCh37 (hg19) VCF-style: chr6-170179367-C-T.
Other names: c.1688C>T, p.Ala563Val (NM_001278531.2); c.1451C>T, p.Ala484Val (NM_001278532.2); c.1610C>T, p.Ala537Val (NM_001278533.2); c.1421C>T, p.Ala474Val (NM_001410957.1); short protein forms A537V, A474V, A484V, A563V, A610V.
Identifiers: ClinVar variation 2707242 (VCV002707242.11), dbSNP rs201637565, ClinGen allele CA4106441.

ClinVar aggregate classification (germline): Conflicting classifications of pathogenicity. Review status: criteria provided, conflicting classifications (1 of 4 stars). 2 submissions from 2 submitters: Uncertain significance (1); Likely benign (1). Last evaluated 2025-07-01.

Allele frequency attached by ClinVar (database versions not stated): gnomAD 0.00006; gnomAD exomes 0.00006; TOPMed 0.00008; ExAC 0.00012; ESP Exome Variant Server 0.00015; 1000 Genomes Project 30x 0.00016; 1000 Genomes Project 0.00020.
gnomAD v4.1: 115 of 1,614,090 alleles (0.0071%); highest among the groups gnomAD compares: Middle Eastern, 0.18%; no homozygotes.

Submissions (2):

CeGaT Center for Human Genetics Tuebingen
Classification: Likely benign. Last evaluated: 2025-07-01. Review status: criteria provided, single submitter. Criteria: CeGaT Center For Human Genetics Tuebingen Variant Classification Criteria Version 2. Collection method: clinical testing. Allele origin: germline. Affected: yes. Observed: 1 variant allele.
Comment: ERMARD: BP4, BS2

Labcorp Genetics (formerly Invitae), Labcorp
Classification: Uncertain significance. Last evaluated: 2025-03-07. Review status: criteria provided, single submitter. Criteria: Invitae Variant Classification Sherloc (09022015). Collection method: clinical testing. Allele origin: germline.
Comment: This sequence change replaces alanine, which is neutral and non-polar, with valine, which is neutral and non-polar, at codon 610 of the ERMARD protein (p.Ala610Val). This variant is present in population databases (rs201637565, gnomAD 0.1%), and has an allele count higher than expected for a pathogenic variant. This variant has not been reported in the literature in individuals affected with ERMARD-related conditions. ClinVar contains an entry for this variant (Variation ID: 2707242). Invitae Evidence Modeling of protein sequence and biophysical properties (such as structural, functional, and spatial information, amino acid conservation, physicochemical variation, residue mobility, and thermodynamic stability) indicates that this missense variant is not expected to disrupt ERMARD protein function with a negative predictive value of 80%. In summary, the available evidence is currently insufficient to determine the role of this variant in disease. Therefore, it has been classified as a Variant of Uncertain Significance.